The following is an entry in ClinVar:

NM_001004334.4(GPR179):c.4238C>G (p.Thr1413Ser)

Gene: GPR179 (G protein-coupled receptor 179; minus strand). Cytogenetic location: 17q12.
Variant type: single nucleotide variant.
Coding change: c.4238C>G on transcript NM_001004334.4 (MANE Select); coding-DNA position 4238, C replaced by G.
Protein change: p.Thr1413Ser; replaces threonine 1413 with serine.
Molecular consequence: missense variant.
Genome position (GRCh38, 1-based): chr17:38,329,331, G>C on the plus strand (C>G on the coding strand, the complement: GPR179 is on the minus strand). VCF-style: chr17-38329331-G-C. GRCh37 (hg19) VCF-style: chr17-36485214-G-C.
Other names: short protein forms T1413S.
Identifiers: ClinVar variation 1518815 (VCV001518815.7), dbSNP rs200066079, ClinGen allele CA290104322.

ClinVar aggregate classification (germline): Uncertain significance (1 of 4 stars; one submission).

Allele frequency attached by ClinVar (database versions not stated): ExAC 0.00001; gnomAD 0.00001; gnomAD exomes 0.00001; TOPMed 0.00003.
gnomAD v4.1: 16 of 1,613,114 alleles (0.00099%); highest among the groups gnomAD compares: Admixed American, 0.005%; no homozygotes.

Submission:

Labcorp Genetics (formerly Invitae), Labcorp
Classification: Uncertain significance. Last evaluated: 2025-06-09. Review status: criteria provided, single submitter. Criteria: Invitae Variant Classification Sherloc (09022015). Collection method: clinical testing. Allele origin: germline.
Comment: This sequence change replaces threonine, which is neutral and polar, with serine, which is neutral and polar, at codon 1413 of the GPR179 protein (p.Thr1413Ser). This variant is present in population databases (rs200066079, gnomAD 0.002%). This variant has not been reported in the literature in individuals affected with GPR179-related conditions. ClinVar contains an entry for this variant (Variation ID: 1518815). An algorithm developed to predict the effect of missense changes on protein structure and function outputs the following: PolyPhen-2: "Benign". The serine amino acid residue is found in multiple mammalian species, which suggests that this missense change does not adversely affect protein function. In summary, the available evidence is currently insufficient to determine the role of this variant in disease. Therefore, it has been classified as a Variant of Uncertain Significance.